The following is an entry in ClinVar:

ClinVar aggregate classification (germline): Uncertain significance (1 of 4 stars; one submission).

Conditions:
Hereditary sensory neuropathy-deafness-dementia syndrome. Also called: HSN IE; NEUROPATHY, HEREDITARY SENSORY, WITH HEARING LOSS AND DEMENTIA; Hereditary Sensory and Autonomic Neuropathy Type 1E (HSAN1E); Hereditary sensory neuropathy type IE. Identifiers: Orphanet 456318, MedGen C3279885, MONDO:0013584, OMIM 614116.

gnomAD v4.1: 2 of 1,614,116 alleles (0.00012%); highest among the groups gnomAD compares: Non-Finnish European, 0.00017%; no homozygotes.

Submission:

Labcorp Genetics (formerly Invitae), Labcorp
Classification: Uncertain significance for Hereditary sensory neuropathy-deafness-dementia syndrome. Last evaluated: 2023-10-13. Review status: criteria provided, single submitter. Criteria: Invitae Variant Classification Sherloc (09022015). Collection method: clinical testing. Allele origin: germline.
Comment: This sequence change replaces aspartic acid, which is acidic and polar, with tyrosine, which is neutral and polar, at codon 932 of the DNMT1 protein (p.Asp932Tyr). This variant is not present in population databases (gnomAD no frequency). This variant has not been reported in the literature in individuals affected with DNMT1-related conditions. Advanced modeling of protein sequence and biophysical properties (such as structural, functional, and spatial information, amino acid conservation, physicochemical variation, residue mobility, and thermodynamic stability) performed at Invitae indicates that this missense variant is not expected to disrupt DNMT1 protein function. In summary, the available evidence is currently insufficient to determine the role of this variant in disease. Therefore, it has been classified as a Variant of Uncertain Significance.

NM_001130823.3(DNMT1):c.2794G>T (p.Asp932Tyr)

Gene: DNMT1 (DNA methyltransferase 1; minus strand). Cytogenetic location: 19p13.2.
Variant type: single nucleotide variant.
Coding change: c.2794G>T on transcript NM_001130823.3 (MANE Select); coding-DNA position 2794, G replaced by T.
Protein change: p.Asp932Tyr; replaces aspartic acid 932 with tyrosine.
Molecular consequence: missense variant.
Genome position (GRCh38, 1-based): chr19:10,146,451, C>A on the plus strand (G>T on the coding strand, the complement: DNMT1 is on the minus strand). VCF-style: chr19-10146451-C-A. GRCh37 (hg19) VCF-style: chr19-10257127-C-A.
Other names: c.2746G>T, p.Asp916Tyr (NM_001318730.2, NM_001379.4); c.2431G>T, p.Asp811Tyr (NM_001318731.2); short protein forms D811Y, D916Y, D932Y.
Identifiers: ClinVar variation 2840558 (VCV002840558.3), dbSNP rs910412179, ClinGen allele CA403976292.